The following is an entry in ClinVar:

ClinVar aggregate classification (germline): Uncertain significance. Review status: criteria provided, multiple submitters, no conflicts (2 of 4 stars). 2 submissions from 2 submitters: Uncertain significance (2). Last evaluated 2025-06-26.

Submissions (2):

Women's Health and Genetics/Laboratory Corporation of America, LabCorp
Classification: Uncertain significance. Last evaluated: 2025-06-26. Review status: criteria provided, single submitter. Criteria: LabCorp Variant Classification Summary - May 2015. Collection method: clinical testing. Allele origin: germline.
Comment: Variant summary: MYO7A c.5672A>C (p.Glu1891Ala) results in a non-conservative amino acid change in the encoded protein sequence. Algorithms developed to predict the effect of missense changes on protein structure and function all suggest that this variant is likely to be disruptive. The variant was absent in 247926 control chromosomes. The available data on variant occurrences in the general population are insufficient to allow any conclusion about variant significance. To our knowledge, no occurrence of c.5672A>C in individuals affected with Usher Syndrome and no experimental evidence demonstrating its impact on protein function have been reported. ClinVar contains an entry for this variant (Variation ID: 2007280). Based on the evidence outlined above, the variant was classified as uncertain significance.

Labcorp Genetics (formerly Invitae), Labcorp
Classification: Uncertain significance. Last evaluated: 2023-10-11. Review status: criteria provided, single submitter. Criteria: Invitae Variant Classification Sherloc (09022015). Collection method: clinical testing. Allele origin: germline.
Comment: This sequence change replaces glutamic acid, which is acidic and polar, with alanine, which is neutral and non-polar, at codon 1891 of the MYO7A protein (p.Glu1891Ala). This variant is not present in population databases (gnomAD no frequency). This variant has not been reported in the literature in individuals affected with MYO7A-related conditions. ClinVar contains an entry for this variant (Variation ID: 2007280). Advanced modeling of protein sequence and biophysical properties (such as structural, functional, and spatial information, amino acid conservation, physicochemical variation, residue mobility, and thermodynamic stability) performed at Invitae indicates that this missense variant is expected to disrupt MYO7A protein function. In summary, the available evidence is currently insufficient to determine the role of this variant in disease. Therefore, it has been classified as a Variant of Uncertain Significance.

NM_000260.4(MYO7A):c.5672A>C (p.Glu1891Ala)

Gene: MYO7A (myosin VIIA; plus strand). Cytogenetic location: 11q13.5.
Variant type: single nucleotide variant.
Coding change: c.5672A>C on transcript NM_000260.4 (MANE Select); coding-DNA position 5672, A replaced by C.
Protein change: p.Glu1891Ala; replaces glutamic acid 1891 with alanine.
Molecular consequence: missense variant.
Genome position (GRCh38, 1-based): chr11:77,206,132, A>C. VCF-style: chr11-77206132-A-C. GRCh37 (hg19) VCF-style: chr11-76917177-A-C.
Other names: c.5558A>C, p.Glu1853Ala (NM_001127180.2); c.5525A>C, p.Glu1842Ala (NM_001369365.1); short protein forms E1891A, E1853A, E1842A.
Identifiers: ClinVar variation 2007280 (VCV002007280.5), dbSNP rs2497718356, ClinGen allele CA381953232.